The following is an entry in ClinVar:

ClinVar aggregate classification (germline): Uncertain significance (1 of 4 stars; one submission).

Submission:

Labcorp Genetics (formerly Invitae), Labcorp
Classification: Uncertain significance. Last evaluated: 2022-10-05. Review status: criteria provided, single submitter. Criteria: Invitae Variant Classification Sherloc (09022015). Collection method: clinical testing. Allele origin: germline.
Comment: This sequence change replaces glutamic acid, which is acidic and polar, with glutamine, which is neutral and polar, at codon 46 of the POLE2 protein (p.Glu46Gln). This variant is not present in population databases (gnomAD no frequency). This variant has not been reported in the literature in individuals affected with POLE2-related conditions. Algorithms developed to predict the effect of missense changes on protein structure and function (SIFT, PolyPhen-2, Align-GVGD) all suggest that this variant is likely to be tolerated. In summary, the available evidence is currently insufficient to determine the role of this variant in disease. Therefore, it has been classified as a Variant of Uncertain Significance.

NM_002692.4(POLE2):c.136G>C (p.Glu46Gln)

Gene: POLE2 (DNA polymerase epsilon 2, accessory subunit; minus strand). Cytogenetic location: 14q21.3.
Variant type: single nucleotide variant.
Coding change: c.136G>C on transcript NM_002692.4 (MANE Select); coding-DNA position 136, G replaced by C.
Protein change: p.Glu46Gln; replaces glutamic acid 46 with glutamine.
Molecular consequence: missense variant. On other transcripts: 5 prime UTR variant (1).
Genome position (GRCh38, 1-based): chr14:49,683,626, C>G on the plus strand (G>C on the coding strand, the complement: POLE2 is on the minus strand). VCF-style: chr14-49683626-C-G. GRCh37 (hg19) VCF-style: chr14-50150344-C-G.
Other names: c.136G>C, p.Glu46Gln (NM_001197330.2, NM_001197331.3, NM_001348384.2); c.-100G>C (NM_001348385.2); short protein forms E46Q.
Identifiers: ClinVar variation 1721054 (VCV001721054.5), dbSNP rs2502941687, ClinGen allele CA389616371.
Genomic context (GRCh38, chr14:49,683,626, plus strand): 5'-TAGGAGTTATCAGAAAATATTACTTACAGGGTTGCTTCTCAACTGCATTAATTATCTTTT[C>G]CAGTTTATCTTCAAGCTCTAATTCACTGATAGACTGAAGAGCTTCTGTGAGGTACTTAAT-3'
Protein context (NP_002683.2, residues 36-56): ISELELEDKL[Glu46Gln]KIINAVEKQP